The following is an entry in ClinVar:

NM_004972.4(JAK2):c.328C>T (p.His110Tyr)

Genes: INSL6 (insulin like 6; minus strand), JAK2 (Janus kinase 2; plus strand). Cytogenetic location: 9p24.1.
Variant type: single nucleotide variant.
Coding change: c.328C>T on transcript NM_004972.4 (MANE Select); coding-DNA position 328, C replaced by T.
Protein change: p.His110Tyr; replaces histidine 110 with tyrosine.
Molecular consequence: missense variant. On other transcripts: 5 prime UTR variant (2), non-coding transcript variant (2).
Genome position (GRCh38, 1-based): chr9:5,029,884, C>T. VCF-style: chr9-5029884-C-T. GRCh37 (hg19) VCF-style: chr9-5029884-C-T.
Other names: c.328C>T, p.His110Tyr (NM_001322194.2, NM_001322195.2, NM_001322196.2); c.-793C>T (NM_001322198.2, NM_001322199.2); short protein forms H110Y.
Identifiers: ClinVar variation 1903209 (VCV001903209.5), dbSNP rs969443461, ClinGen allele CA188413735.

ClinVar aggregate classification (germline): Uncertain significance (1 of 4 stars; one submission).

Allele frequency attached by ClinVar (database versions not stated): gnomAD 0.00001; TOPMed 0.00001; gnomAD exomes 0.00002.
gnomAD v4.1: 34 of 1,611,096 alleles (0.0021%); highest among the groups gnomAD compares: Non-Finnish European, 0.0029%; no homozygotes.

Submission:

Labcorp Genetics (formerly Invitae), Labcorp
Classification: Uncertain significance. Last evaluated: 2025-04-17. Review status: criteria provided, single submitter. Criteria: Invitae Variant Classification Sherloc (09022015). Collection method: clinical testing. Allele origin: germline.
Comment: This sequence change replaces histidine, which is basic and polar, with tyrosine, which is neutral and polar, at codon 110 of the JAK2 protein (p.His110Tyr). This variant is present in population databases (no rsID available, gnomAD 0.0009%). This variant has not been reported in the literature in individuals affected with JAK2-related conditions. ClinVar contains an entry for this variant (Variation ID: 1903209). Invitae Evidence Modeling of protein sequence and biophysical properties (such as structural, functional, and spatial information, amino acid conservation, physicochemical variation, residue mobility, and thermodynamic stability) indicates that this missense variant is not expected to disrupt JAK2 protein function with a negative predictive value of 95%. Algorithms developed to predict the effect of sequence changes on RNA splicing suggest that this variant may disrupt the consensus splice site. In summary, the available evidence is currently insufficient to determine the role of this variant in disease. Therefore, it has been classified as a Variant of Uncertain Significance.